The following is an entry in ClinVar:

ClinVar aggregate classification (germline): Uncertain significance (1 of 4 stars; one submission).

gnomAD v4.1: 5 of 1,614,008 alleles (0.00031%); highest among the groups gnomAD compares: Non-Finnish European, 0.00017%; no homozygotes.

Submission:

Labcorp Genetics (formerly Invitae), Labcorp
Classification: Uncertain significance. Last evaluated: 2025-06-12. Review status: criteria provided, single submitter. Criteria: Invitae Variant Classification Sherloc (09022015). Collection method: clinical testing. Allele origin: germline.
Comment: This sequence change replaces arginine, which is basic and polar, with tryptophan, which is neutral and slightly polar, at codon 236 of the PACS2 protein (p.Arg236Trp). This variant is present in population databases (rs782151393, gnomAD 0.01%). This variant has not been reported in the literature in individuals affected with PACS2-related conditions. ClinVar contains an entry for this variant (Variation ID: 3621066). An algorithm developed to predict the effect of missense changes on protein structure and function (PolyPhen-2) suggests that this variant is likely to be tolerated. In summary, the available evidence is currently insufficient to determine the role of this variant in disease. Therefore, it has been classified as a Variant of Uncertain Significance.

NM_001100913.3(PACS2):c.706C>T (p.Arg236Trp)

Gene: PACS2 (phosphofurin acidic cluster sorting protein 2; plus strand). Cytogenetic location: 14q32.33.
Variant type: single nucleotide variant.
Coding change: c.706C>T on transcript NM_001100913.3 (MANE Select); coding-DNA position 706, C replaced by T.
Protein change: p.Arg236Trp; replaces arginine 236 with tryptophan.
Molecular consequence: missense variant.
Genome position (GRCh38, 1-based): chr14:105,368,504, C>T. VCF-style: chr14-105368504-C-T. GRCh37 (hg19) VCF-style: chr14-105834841-C-T.
Other names: c.505C>T, p.Arg169Trp (NM_001243127.3); c.706C>T, p.Arg236Trp (NM_015197.4); short protein forms R169W, R236W.
Identifiers: ClinVar variation 3621066 (VCV003621066.2).